The following is an entry in ClinVar:

ClinVar aggregate classification (germline): Benign (1 of 4 stars; one submission).

Allele frequency attached by ClinVar (database versions not stated): gnomAD 0.03435 and 0.03653; 1000 Genomes Project 0.03714; 1000 Genomes Project 30x 0.03779; TOPMed 0.03837.
gnomAD v4.1: 5,175 of 152,270 alleles (3.4%); highest among the groups gnomAD compares: African/African-American, 12%; 284 homozygotes.

Submission:

GeneDx
Classification: Benign. Last evaluated: 2018-06-16. Review status: criteria provided, single submitter. Criteria: GeneDx Variant Classification (06012015). Collection method: clinical testing. Allele origin: germline. Affected: yes.
Comment: This variant is considered likely benign or benign based on one or more of the following criteria: it is a conservative change, it occurs at a poorly conserved position in the protein, it is predicted to be benign by multiple in silico algorithms, and/or has population frequency not consistent with disease.

NM_001174150.2(ARL13B):c.131-295A>G

Gene: ARL13B (ARF like GTPase 13B; plus strand). Cytogenetic location: 3q11.2.
Variant type: single nucleotide variant.
Coding change: c.131-295A>G on transcript NM_001174150.2 (MANE Select); 295 bases into the intron before coding-DNA position 131, A replaced by G.
Molecular consequence: intron variant.
Genome position (GRCh38, 1-based): chr3:94,003,364, A>G. VCF-style: chr3-94003364-A-G. GRCh37 (hg19) VCF-style: chr3-93722208-A-G.
Other names: c.86-295A>G (NM_001321328.2); c.131-295A>G (NM_182896.3); c.-179-295A>G (NM_001174151.2); c.59+22882A>G (NM_144996.4).
Identifiers: ClinVar variation 673522 (VCV000673522.1), dbSNP rs79101254, ClinGen allele CA78519987.
Genomic context (GRCh38, chr3:94,003,364, plus strand): 5'-CCCTGGGGATGGCTATGGTATTGAAAGGTTGACATTTTTATTGTTTGTAACTTGGACAGT[A>G]AATAGCCTTAAAGGCAAGAGTTTATTCATTTATTAATTCAACAGATACTTACTAAGTACC-3'